The following is an entry in ClinVar:

ClinVar aggregate classification (germline): Likely benign (1 of 4 stars; one submission).

Conditions:
SEMA3G-related disorder. Also called: SEMA3G-related condition.

gnomAD v4.1: 1 of 1,614,144 alleles (0.000062%); highest among the groups gnomAD compares: Non-Finnish European, 0.000085%; no homozygotes.

Submission:

PreventionGenetics, part of Exact Sciences
Classification: Likely benign for SEMA3G-related condition. Last evaluated: 2025-11-11. Review status: criteria provided, single submitter. Criteria: ACMG Guidelines, 2015. Collection method: clinical testing. Allele origin: germline.
Comment: This variant is classified as likely benign based on ACMG/AMP sequence variant interpretation guidelines (Richards et al. 2015 PMID: 25741868, with internal and published modifications).

NM_020163.3(SEMA3G):c.2124G>A (p.Lys708=)

Gene: SEMA3G (semaphorin 3G; minus strand). Cytogenetic location: 3p21.1.
Variant type: single nucleotide variant.
Coding change: c.2124G>A on transcript NM_020163.3 (MANE Select); coding-DNA position 2124, G replaced by A.
Protein change: p.Lys708=; no amino-acid change (lysine 708 retained).
Molecular consequence: synonymous variant.
Genome position (GRCh38, 1-based): chr3:52,435,828, C>T on the plus strand (G>A on the coding strand, the complement: SEMA3G is on the minus strand). VCF-style: chr3-52435828-C-T. GRCh37 (hg19) VCF-style: chr3-52469844-C-T.
Identifiers: ClinVar variation 4991769 (VCV004991769.1).